The following is an entry in ClinVar:

ClinVar aggregate classification (germline): Uncertain significance (1 of 4 stars; one submission).

Conditions:
RASopathy. Also called: rasopathies; Noonan spectrum disorder. Identifiers: Orphanet 536391, MedGen C5555857, MONDO:0021060.

Allele frequency attached by ClinVar (database versions not stated): gnomAD exomes below 0.00001.
gnomAD v4.1: 2 of 1,614,026 alleles (0.00012%); highest among the groups gnomAD compares: Non-Finnish European, 0.000085%; no homozygotes.

Submission:

Labcorp Genetics (formerly Invitae), Labcorp
Classification: Uncertain significance for RASopathy. Last evaluated: 2025-01-15. Review status: criteria provided, single submitter. Criteria: Invitae Variant Classification Sherloc (09022015). Collection method: clinical testing. Allele origin: germline.
Comment: This sequence change replaces aspartic acid, which is acidic and polar, with histidine, which is basic and polar, at codon 1100 of the SOS1 protein (p.Asp1100His). This variant is not present in population databases (gnomAD no frequency). This variant has not been reported in the literature in individuals affected with SOS1-related conditions. ClinVar contains an entry for this variant (Variation ID: 2899279). Invitae Evidence Modeling of protein sequence and biophysical properties (such as structural, functional, and spatial information, amino acid conservation, physicochemical variation, residue mobility, and thermodynamic stability) indicates that this missense variant is not expected to disrupt SOS1 protein function with a negative predictive value of 95%. In summary, the available evidence is currently insufficient to determine the role of this variant in disease. Therefore, it has been classified as a Variant of Uncertain Significance.

NM_005633.4(SOS1):c.3298G>C (p.Asp1100His)

Gene: SOS1 (SOS Ras/Rac guanine nucleotide exchange factor 1; minus strand). Cytogenetic location: 2p22.1.
Variant type: single nucleotide variant.
Coding change: c.3298G>C on transcript NM_005633.4 (MANE Select); coding-DNA position 3298, G replaced by C.
Protein change: p.Asp1100His; replaces aspartic acid 1100 with histidine.
Molecular consequence: missense variant.
Genome position (GRCh38, 1-based): chr2:38,995,171, C>G on the plus strand (G>C on the coding strand, the complement: SOS1 is on the minus strand). VCF-style: chr2-38995171-C-G. GRCh37 (hg19) VCF-style: chr2-39222312-C-G.
Other names: c.3277G>C, p.Asp1093His (NM_001382394.1); c.3298G>C, p.Asp1100His (NM_001382395.1); short protein forms D1100H, D1093H.
Identifiers: ClinVar variation 2899279 (VCV002899279.3), dbSNP rs1668850707, ClinGen allele CA346360412.